The following is an entry in ClinVar:

NM_000465.4(BARD1):c.25A>G (p.Asn9Asp)

Gene: BARD1 (BRCA1 associated RING domain 1; minus strand). Cytogenetic location: 2q35.
Variant type: single nucleotide variant.
Coding change: c.25A>G on transcript NM_000465.4 (MANE Select); coding-DNA position 25, A replaced by G.
Protein change: p.Asn9Asp; replaces asparagine 9 with aspartic acid.
Molecular consequence: missense variant. On other transcripts: non-coding transcript variant (3).
Genome position (GRCh38, 1-based): chr2:214,809,545, T>C on the plus strand (A>G on the coding strand, the complement: BARD1 is on the minus strand). VCF-style: chr2-214809545-T-C. GRCh37 (hg19) VCF-style: chr2-215674269-T-C.
Other names: c.25A>G, p.Asn9Asp (NM_001282543.2, NM_001282545.2, NM_001282548.2 and 1 more transcripts); short protein forms N9D.
Identifiers: ClinVar variation 4723817 (VCV004723817.1).

ClinVar aggregate classification (germline): Uncertain significance (1 of 4 stars; one submission).

Conditions:
Familial cancer of breast. Also called: hereditary breast carcinoma; BREAST CANCER, FAMILIAL; Hereditary breast cancer. Identifiers: Orphanet 227535, MedGen C0346153, MONDO:0016419, OMIM 114480. Disease mechanism: loss of function.

Submission:

Labcorp Genetics (formerly Invitae), Labcorp
Classification: Uncertain significance for Familial cancer of breast. Last evaluated: 2025-07-23. Review status: criteria provided, single submitter. Criteria: Invitae Variant Classification Sherloc (09022015). Collection method: clinical testing. Allele origin: germline.
Comment: This sequence change replaces asparagine, which is neutral and polar, with aspartic acid, which is acidic and polar, at codon 9 of the BARD1 protein (p.Asn9Asp). This variant is not present in population databases (gnomAD no frequency). This variant has not been reported in the literature in individuals affected with BARD1-related conditions. An algorithm developed to predict the effect of missense changes on protein structure and function outputs the following: PolyPhen-2: "Benign". The aspartic acid amino acid residue is found in multiple mammalian species, which suggests that this missense change does not adversely affect protein function. In summary, the available evidence is currently insufficient to determine the role of this variant in disease. Therefore, it has been classified as a Variant of Uncertain Significance.